The following is an entry in ClinVar:

NM_199420.4(POLQ):c.2612C>A (p.Thr871Asn)

Gene: POLQ (DNA polymerase theta; minus strand). Cytogenetic location: 3q13.33.
Variant type: single nucleotide variant.
Coding change: c.2612C>A on transcript NM_199420.4 (MANE Select); coding-DNA position 2612, C replaced by A.
Protein change: p.Thr871Asn; replaces threonine 871 with asparagine.
Molecular consequence: missense variant.
Genome position (GRCh38, 1-based): chr3:121,490,319, G>T on the plus strand (C>A on the coding strand, the complement: POLQ is on the minus strand). VCF-style: chr3-121490319-G-T. GRCh37 (hg19) VCF-style: chr3-121209166-G-T.
Other names: short protein forms T871N.
Identifiers: ClinVar variation 1793812 (VCV001793812.2), dbSNP rs2546788470, ClinGen allele CA354105595.

ClinVar aggregate classification (germline): Uncertain significance (1 of 4 stars; one submission).

Submission:

Ambry Genetics
Classification: Uncertain significance. Last evaluated: 2021-07-08. Review status: criteria provided, single submitter. Criteria: Ambry Variant Classification Scheme 2023. Collection method: clinical testing. Allele origin: germline.
Comment: The p.T871N variant (also known as c.2612C>A), located in coding exon 16 of the POLQ gene, results from a C to A substitution at nucleotide position 2612. The threonine at codon 871 is replaced by asparagine, an amino acid with similar properties. This amino acid position is conserved. In addition, this alteration is predicted to be tolerated by in silico analysis. Since supporting evidence is limited at this time, the clinical significance of this alteration remains unclear.